The following is an entry in ClinVar:

NC_000017.11:g.31379020T>G

Gene: NF1 (neurofibromin 1; plus strand). Cytogenetic location: 17q11.2.
Variant type: single nucleotide variant.
Genome position: GRCh38 VCF-style: chr17-31379020-T-G. GRCh37 (hg19) VCF-style: chr17-29706038-T-G.
Identifiers: ClinVar variation 4281418 (VCV004281418.7).
Genomic context (GRCh38, chr17:31,379,020, plus strand): 5'-CAATTCATTGCCCCAAGTAATCTGCCAAACCTGTCTTCATTTGGAAATCAGTCTTCATAT[T>G]CAGGTGAGTTCCACTTAAGACCCTTTTAGCTGCCAATTTAAAAGAAGCCCTTTTGCAATG-3'

ClinVar aggregate classification (germline): Likely benign (1 of 4 stars; one submission).

Submission:

CeGaT Center for Human Genetics Tuebingen
Classification: Likely benign. Last evaluated: 2025-09-01. Review status: criteria provided, single submitter. Criteria: CeGaT Center For Human Genetics Tuebingen Variant Classification Criteria Version 2. Collection method: clinical testing. Allele origin: germline. Affected: yes. Observed: 1 variant allele.
Comment: NF1: BS1